The following is an entry in ClinVar:

NM_001105247.2(ARMC5):c.237A>G (p.Ala79=)

Genes: ARMC5 (armadillo repeat containing 5; plus strand), LOC130058906 (ATAC-STARR-seq lymphoblastoid silent region 7419; plus strand). Cytogenetic location: 16p11.2.
Variant type: single nucleotide variant.
Coding change: c.237A>G on transcript NM_001105247.2 (MANE Select); coding-DNA position 237, A replaced by G.
Protein change: p.Ala79=; no amino-acid change (alanine 79 retained).
Molecular consequence: synonymous variant.
Genome position (GRCh38, 1-based): chr16:31,459,761, A>G. VCF-style: chr16-31459761-A-G. GRCh37 (hg19) VCF-style: chr16-31471082-A-G.
Other names: c.522A>G, p.Ala174= (NM_001288767.2); c.333A>G, p.Ala111= (NM_001301820.1); c.237A>G, p.Ala79= (NM_024742.2).
Identifiers: ClinVar variation 3032298 (VCV003032298.2), dbSNP rs1452172317, ClinGen allele CA494933453.

ClinVar aggregate classification (germline): Likely benign (0 of 4 stars; one submission).

Conditions:
ARMC5-related disorder. Also called: ARMC5-related condition.

Allele frequency attached by ClinVar (database versions not stated): gnomAD exomes below 0.00001.

Submission:

PreventionGenetics, part of Exact Sciences
Classification: Likely benign for ARMC5-related condition. Last evaluated: 2021-12-17. Review status: no assertion criteria provided. Collection method: clinical testing. Allele origin: germline.
Comment: This variant is classified as likely benign based on ACMG/AMP sequence variant interpretation guidelines (Richards et al. 2015 PMID: 25741868, with internal and published modifications).